The following is an entry in ClinVar:

NM_000051.4(ATM):c.3296A>G (p.Asp1099Gly)

Gene: ATM (ATM serine/threonine kinase; plus strand). Cytogenetic location: 11q22.3.
Variant type: single nucleotide variant.
Coding change: c.3296A>G on transcript NM_000051.4 (MANE Select); coding-DNA position 3296, A replaced by G.
Protein change: p.Asp1099Gly; replaces aspartic acid 1099 with glycine.
Molecular consequence: missense variant.
Genome position (GRCh38, 1-based): chr11:108,279,502, A>G. VCF-style: chr11-108279502-A-G. GRCh37 (hg19) VCF-style: chr11-108150229-A-G.
Other names: c.3296A>G, p.Asp1099Gly (NM_001351834.2); short protein forms D1099G.
Identifiers: ClinVar variation 133614 (VCV000133614.7), dbSNP rs587778072, ClinGen allele CA157101.
Genomic context (GRCh38, chr11:108,279,502, plus strand): 5'-TAGAAAATTATTTCACTTTTTGTTTGTTTGTTTGCTTGCTTGTTTTAAGATTGTTCCAGG[A>G]CACGAAGGGAGATTCTTCCAGGTTACTGAAAGCACTTCCTTTGAAGCTTCAGCAAACAGC-3'
Protein context (NP_000042.3, residues 1089-1109): AAESINRLFQ[Asp1099Gly]TKGDSSRLLK

ClinVar aggregate classification (germline): Uncertain significance. Review status: criteria provided, multiple submitters, no conflicts (2 of 4 stars). 3 submissions from 3 submitters: Uncertain significance (2). 1 of the submissions does not count toward it. Last evaluated 2024-05-20.

Conditions:
Hereditary cancer-predisposing syndrome. Also called: Tumor predisposition; Hereditary neoplastic syndrome; Neoplastic Syndromes, Hereditary; Hereditary Cancer Syndrome. Identifiers: Orphanet 140162, MedGen C0027672, MeSH D009386, MONDO:0015356.
Ataxia-telangiectasia syndrome (AT). Also called: ATAXIA-TELANGIECTASIA, COMPLEMENTATION GROUP A; ATAXIA-TELANGIECTASIA, FRESNO VARIANT; Ataxia-telangiectasia; LOUIS-BAR SYNDROME; Cerebello-oculocutaneous telangiectasia; Immunodeficiency with ataxia telangiectasia. Identifiers: Orphanet 100, MedGen C0004135, MONDO:0008840, OMIM 208900.

Submissions (3):

Ambry Genetics
Classification: Uncertain significance for Hereditary cancer-predisposing syndrome. Last evaluated: 2024-05-20. Review status: criteria provided, single submitter. Criteria: Ambry Variant Classification Scheme 2023. Collection method: clinical testing. Allele origin: germline.
Comment: The p.D1099G variant (also known as c.3296A>G), located in coding exon 22 of the ATM gene, results from an A to G substitution at nucleotide position 3296. The aspartic acid at codon 1099 is replaced by glycine, an amino acid with similar properties. This amino acid position is not well conserved in available vertebrate species. In addition, this alteration is predicted to be tolerated by in silico analysis. Since supporting evidence is limited at this time, the clinical significance of this alteration remains unclear.

Labcorp Genetics (formerly Invitae), Labcorp
Classification: Uncertain significance for Ataxia-telangiectasia syndrome. Last evaluated: 2023-02-22. Review status: criteria provided, single submitter. Criteria: Invitae Variant Classification Sherloc (09022015). Collection method: clinical testing. Allele origin: germline.
Comment: In summary, the available evidence is currently insufficient to determine the role of this variant in disease. Therefore, it has been classified as a Variant of Uncertain Significance. An algorithm developed to predict the effect of missense changes on protein structure and function (PolyPhen-2) suggests that this variant is likely to be tolerated. ClinVar contains an entry for this variant (Variation ID: 133614). This variant has not been reported in the literature in individuals affected with ATM-related conditions. This variant is not present in population databases (gnomAD no frequency). This sequence change replaces aspartic acid, which is acidic and polar, with glycine, which is neutral and non-polar, at codon 1099 of the ATM protein (p.Asp1099Gly).

ITMI
No classification provided. Condition: AllHighlyPenetrant. Last evaluated: 2013-09-19. Review status: no classification provided. Collection method: reference population. Allele origin: germline. Not counted in ClinVar's aggregate classification.
Comment: Please see associated publication for description of ethnicities

Literature cited by the submitters: PubMed 24728327 (cited by ITMI).